The following is an entry in ClinVar:

NM_006648.4(WNK2):c.5108C>T (p.Pro1703Leu)

Gene: WNK2 (WNK lysine deficient protein kinase 2; plus strand). Cytogenetic location: 9q22.31.
Variant type: single nucleotide variant.
Coding change: c.5108C>T on transcript NM_006648.4 (MANE Select); coding-DNA position 5108, C replaced by T.
Protein change: p.Pro1703Leu; replaces proline 1703 with leucine.
Molecular consequence: missense variant.
Genome position (GRCh38, 1-based): chr9:93,292,573, C>T. VCF-style: chr9-93292573-C-T. GRCh37 (hg19) VCF-style: chr9-96054855-C-T.
Other names: c.5219C>T, p.Pro1740Leu (NM_001282394.3); short protein forms P1740L, P1703L.
Identifiers: ClinVar variation 3981829 (VCV003981829.1).
Genomic context (GRCh38, chr9:93,292,573, plus strand): 5'-CTGCACGTGTGGAGCCCACAGACAGGGATGGTGGAGAAGCTGGAGAAAGCTCGGCAGAGC[C>T]CCCGCCGAGTGACATGGGCACAGTGGGGGGCCAGGCTAGCCACCCCCAGACACTCGGCGC-3'
Protein context (NP_006639.3, residues 1693-1713): GGEAGESSAE[Pro1703Leu]PPSDMGTVGG

ClinVar aggregate classification (germline): Uncertain significance (1 of 4 stars; one submission).

Submission:

Ambry Genetics
Classification: Uncertain significance. Last evaluated: 2025-04-07. Review status: criteria provided, single submitter. Criteria: Ambry Variant Classification Scheme 2023. Collection method: clinical testing. Allele origin: germline.
Comment: The p.P1703L variant (also known as c.5108C>T), located in coding exon 22 of the WNK2 gene, results from a C to T substitution at nucleotide position 5108. The proline at codon 1703 is replaced by leucine, an amino acid with similar properties. This amino acid position is conserved. In addition, this alteration is predicted to be tolerated by in silico analysis. Based on the available evidence, the clinical significance of this variant remains unclear.